The following is an entry in ClinVar:

ClinVar aggregate classification (germline): Uncertain significance. Review status: criteria provided, multiple submitters, no conflicts (2 of 4 stars). 2 submissions from 2 submitters: Uncertain significance (2). Last evaluated 2025-05-16.

Conditions:
Inborn genetic diseases. Identifiers: MedGen C0950123, MeSH D030342.

Allele frequency attached by ClinVar (database versions not stated): gnomAD exomes 0.00004.
gnomAD v4.1: 25 of 1,077,464 alleles (0.0023%); highest among the groups gnomAD compares: Non-Finnish European, 0.0027%; no homozygotes.

Submissions (2):

Ambry Genetics
Classification: Uncertain significance for Inborn genetic diseases. Last evaluated: 2025-05-16. Review status: criteria provided, single submitter. Criteria: Ambry Variant Classification Scheme 2023. Collection method: clinical testing. Allele origin: germline.

Labcorp Genetics (formerly Invitae), Labcorp
Classification: Uncertain significance. Last evaluated: 2021-07-07. Review status: criteria provided, single submitter. Criteria: Invitae Variant Classification Sherloc (09022015). Collection method: clinical testing. Allele origin: germline.
Comment: This sequence change replaces alanine with glycine at codon 62 of the ZSWIM6 protein (p.Ala62Gly). The alanine residue is weakly conserved and there is a small physicochemical difference between alanine and glycine. The frequency data for this variant in the population databases is considered unreliable, as metrics indicate insufficient coverage at this position in the ExAC database. This variant has not been reported in the literature in individuals with ZSWIM6-related conditions. Algorithms developed to predict the effect of missense changes on protein structure and function are either unavailable or do not agree on the potential impact of this missense change (SIFT: "Deleterious"; PolyPhen-2: "Not Available"; Align-GVGD: "Class C0"). In summary, the available evidence is currently insufficient to determine the role of this variant in disease. Therefore, it has been classified as a Variant of Uncertain Significance.

NM_020928.2(ZSWIM6):c.185C>G (p.Ala62Gly)

Gene: ZSWIM6 (zinc finger SWIM-type containing 6; plus strand). Cytogenetic location: 5q12.1.
Variant type: single nucleotide variant.
Coding change: c.185C>G on transcript NM_020928.2 (MANE Select); coding-DNA position 185, C replaced by G.
Protein change: p.Ala62Gly; replaces alanine 62 with glycine.
Molecular consequence: missense variant.
Genome position (GRCh38, 1-based): chr5:61,332,457, C>G. VCF-style: chr5-61332457-C-G. GRCh37 (hg19) VCF-style: chr5-60628284-C-G.
Other names: c.185C>G (NM_020928.1); short protein forms A62G.
Identifiers: ClinVar variation 1502431 (VCV001502431.9), dbSNP rs1161891703, ClinGen allele CA359940155.
Genomic context (GRCh38, chr5:61,332,457, plus strand): 5'-GTCGGCCAGGCCCGCGGGCGGGTGGCGCGGCGGCGGCGGCGGCGTGCGGGGGCGGCGCGG[C>G]GCTGGGGTTGCTGCCGCCGGGCAAGACCCAGAGCCCCGAGTCGCTGCTGGACATCGCGGC-3'
Protein context (NP_065979.1, residues 52-72): AAAAACGGGA[Ala62Gly]LGLLPPGKTQ